The following is an entry in ClinVar:

ClinVar aggregate classification (germline): Uncertain significance (1 of 4 stars; one submission).

Conditions:
Dyskeratosis congenita, autosomal recessive 5 (DKCB5). Identifiers: MedGen C3554656, MONDO:0014076, OMIM 615190.

Allele frequency attached by ClinVar (database versions not stated): gnomAD exomes below 0.00001.
gnomAD v4.1: 3 of 1,565,104 alleles (0.00019%); highest among the groups gnomAD compares: Non-Finnish European, 0.00026%; no homozygotes.

Submission:

New York Genome Center
Classification: Uncertain significance for Dyskeratosis congenita, autosomal recessive 5. Last evaluated: 2021-05-21. Review status: criteria provided, single submitter. Criteria: NYGC Assertion Criteria 2020. Collection method: clinical testing. Allele origin: germline. Observed: 1 compound heterozygote. Study: CSER-NYCKidSeq.
Comment: The c.3595G>A(p.Asp1199Asn) variant in exon 34 of 65 of RTEL1 has not been reported in affected individuals in the available literature. This variant is absent in gnomAD v3 indicating it is not a common benign variant in the populations represented in this database. In silico predictors suggest this variant is Benign (REVEL score: 0.119) and tolerated (SIFT score: 0.175). Given the current evidence regarding its pathogenicity, the c.3595G>A (p.Asp1199Asn) variant identified in the RTEL1 gene is classified as a Variant of uncertain significance.

NM_001283009.2(RTEL1):c.3595G>A (p.Asp1199Asn)

Genes: RTEL1 (regulator of telomere elongation helicase 1; plus strand), RTEL1-TNFRSF6B (RTEL1-TNFRSF6B readthrough (NMD candidate); plus strand). Cytogenetic location: 20q13.33.
Variant type: single nucleotide variant.
Coding change: c.3595G>A on transcript NM_001283009.2 (MANE Select); coding-DNA position 3595, G replaced by A.
Protein change: p.Asp1199Asn; replaces aspartic acid 1199 with asparagine.
Molecular consequence: missense variant. On other transcripts: non-coding transcript variant (1).
Genome position (GRCh38, 1-based): chr20:63,695,423, G>A. VCF-style: chr20-63695423-G-A. GRCh37 (hg19) VCF-style: chr20-62326776-G-A.
Other names: c.2926G>A, p.Asp976Asn (NM_001283010.1); c.3595G>A, p.Asp1199Asn (NM_016434.4); c.3667G>A, p.Asp1223Asn (NM_032957.5); short protein forms D1199N, D1223N, D976N.
Identifiers: ClinVar variation 1679563 (VCV001679563.2), dbSNP rs2145479801, ClinGen allele CA409686320.